The following is an entry in ClinVar:

ClinVar aggregate classification (germline): Uncertain significance (1 of 4 stars; one submission).

Submission:

GeneDx
Classification: Uncertain significance. Last evaluated: 2025-08-11. Review status: criteria provided, single submitter. Criteria: GeneDx Variant Classification Process June 2021. Collection method: clinical testing. Allele origin: germline. Affected: yes.
Comment: Not observed at significant frequency in large population cohorts (gnomAD); In silico analysis supports that this missense variant has a deleterious effect on protein structure/function; Has not been previously published as pathogenic or benign to our knowledge

NM_181303.2(NLGN3):c.212G>A (p.Gly71Glu)

Gene: NLGN3 (neuroligin 3; plus strand). Cytogenetic location: Xq13.1.
Variant type: single nucleotide variant.
Coding change: c.212G>A on transcript NM_181303.2 (MANE Select); coding-DNA position 212, G replaced by A.
Protein change: p.Gly71Glu; replaces glycine 71 with glutamic acid.
Molecular consequence: missense variant. On other transcripts: intron variant (4).
Genome position (GRCh38, 1-based): chrX:71,147,961, G>A. VCF-style: chrX-71147961-G-A. GRCh37 (hg19) VCF-style: chrX-70367811-G-A.
Other names: c.212G>A, p.Gly71Glu (NM_001166660.2, NM_018977.4); c.-38-102G>A (NM_001438296.1, NM_001438298.1, NM_001437941.1 and 1 more transcripts); short protein forms G71E.
Identifiers: ClinVar variation 4795550 (VCV004795550.1).